The following is an entry in ClinVar:

NM_002085.5(GPX4):c.85-321G>A

Gene: GPX4 (glutathione peroxidase 4; plus strand). Cytogenetic location: 19p13.3.
Variant type: single nucleotide variant.
Coding change: c.85-321G>A on transcript NM_002085.5 (MANE Select); 321 bases into the intron before coding-DNA position 85, G replaced by A.
Molecular consequence: intron variant. On other transcripts: missense variant (1).
Genome position (GRCh38, 1-based): chr19:1,104,865, G>A. VCF-style: chr19-1104865-G-A. GRCh37 (hg19) VCF-style: chr19-1104864-G-A.
Other names: c.131G>A, p.Arg44Gln (NM_001039848.4); c.85-321G>A (NM_001039847.3); c.4-321G>A (NM_001367832.1); short protein forms R44Q.
Identifiers: ClinVar variation 1028980 (VCV001028980.10), dbSNP rs371892333, ClinGen allele CA9037149.

ClinVar aggregate classification (germline): Conflicting classifications of pathogenicity. Review status: criteria provided, conflicting classifications (1 of 4 stars). 4 submissions from 4 submitters: Uncertain significance (2); Likely benign (2). Last evaluated 2025-09-03.

Conditions:
Spondylometaphyseal dysplasia, Sedaghatian type. Also called: METAPHYSEAL CHONDRODYSPLASIA, CONGENITAL LETHAL; SEDAGHATIAN CHONDRODYSPLASIA; Lethal metaphyseal dysplasia. Identifiers: Orphanet 93317, MedGen C1855229, MONDO:0009593, OMIM 250220.
Inborn genetic diseases. Identifiers: MedGen C0950123, MeSH D030342.

Allele frequency attached by ClinVar (database versions not stated): ESP Exome Variant Server 0.00009; gnomAD 0.00009; TOPMed 0.00010; gnomAD exomes 0.00015; ExAC 0.00017.

Submissions (4):

Labcorp Genetics (formerly Invitae), Labcorp
Classification: Likely benign. Last evaluated: 2025-09-03. Review status: criteria provided, single submitter. Criteria: Invitae Variant Classification Sherloc (09022015). Collection method: clinical testing. Allele origin: germline.

Ambry Genetics
Classification: Uncertain significance for Inborn genetic diseases. Last evaluated: 2024-06-17. Review status: criteria provided, single submitter. Criteria: Ambry Variant Classification Scheme 2023. Collection method: clinical testing. Allele origin: germline.

Blueprint Genetics
Classification: Likely benign. Last evaluated: 2024-03-13. Review status: criteria provided, single submitter. Criteria: ACMG Guidelines, 2015. Collection method: clinical testing. Allele origin: germline.

Baylor Genetics
Classification: Uncertain significance for Spondylometaphyseal dysplasia, Sedaghatian type. Last evaluated: 2019-08-09. Review status: criteria provided, single submitter. Criteria: ACMG Guidelines, 2015. Collection method: clinical testing. Allele origin: unknown. Affected: yes.
Comment: This variant was determined to be of uncertain significance according to ACMG Guidelines, 2015 [PMID:25741868].